The following is an entry in ClinVar:

ClinVar aggregate classification (germline): Uncertain significance (1 of 4 stars; one submission).

gnomAD v4.1: 3 of 1,614,070 alleles (0.00019%); highest among the groups gnomAD compares: South Asian, 0.0022%; no homozygotes.

Submission:

GeneDx
Classification: Uncertain significance. Last evaluated: 2024-04-12. Review status: criteria provided, single submitter. Criteria: GeneDx Variant Classification Process June 2021. Collection method: clinical testing. Allele origin: germline. Affected: yes.
Comment: Not observed at significant frequency in large population cohorts (gnomAD); In silico analysis indicates that this missense variant does not alter protein structure/function; Has not been previously published as pathogenic or benign to our knowledge

NM_002529.4(NTRK1):c.274G>A (p.Glu92Lys)

Gene: NTRK1 (neurotrophic receptor tyrosine kinase 1; plus strand). Cytogenetic location: 1q23.1.
Variant type: single nucleotide variant.
Coding change: c.274G>A on transcript NM_002529.4 (MANE Select); coding-DNA position 274, G replaced by A.
Protein change: p.Glu92Lys; replaces glutamic acid 92 with lysine.
Molecular consequence: missense variant.
Genome position (GRCh38, 1-based): chr1:156,864,415, G>A. VCF-style: chr1-156864415-G-A. GRCh37 (hg19) VCF-style: chr1-156834207-G-A.
Other names: c.184G>A, p.Glu62Lys (NM_001007792.1); c.274G>A, p.Glu92Lys (NM_001012331.2); short protein forms E62K, E92K.
Identifiers: ClinVar variation 3372507 (VCV003372507.1).